The following is an entry in ClinVar:

ClinVar aggregate classification (germline): Uncertain significance. Review status: criteria provided, multiple submitters, no conflicts (2 of 4 stars). 2 submissions from 2 submitters: Uncertain significance (2). Last evaluated 2025-09-02.

Conditions:
Joubert syndrome. Also called: CEREBELLOPARENCHYMAL DISORDER IV; JOUBERT-BOLTSHAUSER SYNDROME; Familial aplasia of the vermis. Identifiers: Orphanet 475, MedGen C5979921, MONDO:0018772.
Orofaciodigital syndrome I (OFD1). Also called: OFDS I; Papillon-Leage and Psaume Syndrome; Oral-Facial-Digital Syndrome Type I. Identifiers: Orphanet 2750, MedGen C1510460, MONDO:0010702, OMIM 311200.

Submissions (2):

Labcorp Genetics (formerly Invitae), Labcorp
Classification: Uncertain significance for Orofaciodigital syndrome I; Joubert syndrome. Last evaluated: 2025-09-02. Review status: criteria provided, single submitter. Criteria: Invitae Variant Classification Sherloc (09022015). Collection method: clinical testing. Allele origin: germline.
Comment: This sequence change replaces arginine, which is basic and polar, with glycine, which is neutral and non-polar, at codon 344 of the OFD1 protein (p.Arg344Gly). This variant is not present in population databases (gnomAD no frequency). This variant has not been reported in the literature in individuals affected with OFD1-related conditions. ClinVar contains an entry for this variant (Variation ID: 1414321). Invitae Evidence Modeling of protein sequence and biophysical properties (such as structural, functional, and spatial information, amino acid conservation, physicochemical variation, residue mobility, and thermodynamic stability) indicates that this missense variant is not expected to disrupt OFD1 protein function with a negative predictive value of 80%. In summary, the available evidence is currently insufficient to determine the role of this variant in disease. Therefore, it has been classified as a Variant of Uncertain Significance.

GeneDx
Classification: Uncertain significance. Last evaluated: 2024-04-21. Review status: criteria provided, single submitter. Criteria: GeneDx Variant Classification Process June 2021. Collection method: clinical testing. Allele origin: germline. Affected: yes.
Comment: Not observed at significant frequency in large population cohorts (gnomAD); In silico analysis supports that this missense variant has a deleterious effect on protein structure/function; Has not been previously published as pathogenic or benign to our knowledge

NM_003611.3(OFD1):c.1030C>G (p.Arg344Gly)

Gene: OFD1 (OFD1 centriole and centriolar satellite protein; plus strand). Cytogenetic location: Xp22.2.
Variant type: single nucleotide variant.
Coding change: c.1030C>G on transcript NM_003611.3 (MANE Select); coding-DNA position 1030, C replaced by G.
Protein change: p.Arg344Gly; replaces arginine 344 with glycine.
Molecular consequence: missense variant. On other transcripts: intron variant (1).
Genome position (GRCh38, 1-based): chrX:13,751,343, C>G. VCF-style: chrX-13751343-C-G. GRCh37 (hg19) VCF-style: chrX-13769462-C-G.
Other names: c.610C>G, p.Arg204Gly (NM_001330210.2); c.935+1810C>G (NM_001330209.2); c.1030C>G (NM_003611.2); short protein forms R204G, R344G.
Identifiers: ClinVar variation 1414321 (VCV001414321.9), dbSNP rs758903488, ClinGen allele CA412340059.